The following is an entry in ClinVar:

ClinVar aggregate classification (germline): Pathogenic (1 of 4 stars; one submission).

Conditions:
Malan overgrowth syndrome (MALNS). Also called: MALAN SYNDROME; Sotos syndrome 2; NFIX-Related Malan Syndrome. Identifiers: Orphanet 420179, MedGen C3553660, MONDO:0013885, OMIM 614753.

Submission:

3billion
Classification: Pathogenic for Malan overgrowth syndrome. Last evaluated: 2025-07-18. Review status: criteria provided, single submitter. Criteria: ACMG Guidelines, 2015. Collection method: clinical testing. Allele origin: germline. Affected: yes.
Comment: The variant is not observed in the gnomAD v4.1.0 dataset. Predicted Consequence/Location: Canonical splice site: predicted to alter splicing and result in a loss or disruption of normal protein function. Multiple pathogenic loss-of-function variants are reported downstream of the variant. In silico tools predict the variant to alter splicing and produce an abnormal transcript [SpliceAI: 1.00 (spliceogenicity >=0.2, non-spliceogenicity <0.1)]. The variant has been reported to be associated with NFIX-related disorder (PMID: 28475857). Therefore, this variant is classified as Pathogenic according to the recommendation of ACMG/AMP guideline.

Literature cited by the submitters: PubMed 28475857.

NM_001365902.3(NFIX):c.623-2A>G

Gene: NFIX (nuclear factor I X; plus strand). Cytogenetic location: 19p13.13.
Variant type: single nucleotide variant.
Coding change: c.623-2A>G on transcript NM_001365902.3 (MANE Select); the canonical splice acceptor site of the intron before coding-DNA position 623, A replaced by G.
Molecular consequence: splice acceptor variant.
Genome position (GRCh38, 1-based): chr19:13,073,420, A>G. VCF-style: chr19-13073420-A-G. GRCh37 (hg19) VCF-style: chr19-13184234-A-G.
Other names: c.623-2A>G (NM_002501.4, NM_001365982.2); c.599-2A>G (NM_001378404.1, NM_001271044.3, NM_001440616.1 and 1 more transcripts); c.671-2A>G (NM_001378405.1); c.482-2A>G (NM_001365983.2); c.647-2A>G (NM_001271043.2); c.620-2A>G (NM_001365984.2, NM_001365985.2).
Identifiers: ClinVar variation 4855020 (VCV004855020.1).